The following is an entry in ClinVar:

ClinVar aggregate classification (germline): Conflicting classifications of pathogenicity. Review status: criteria provided, conflicting classifications (1 of 4 stars). 3 submissions from 3 submitters: Pathogenic (1); Uncertain significance (1). 1 of the submissions does not count toward it. Last evaluated 2025-12-05.

Conditions:
Spondyloepimetaphyseal dysplasia, Isidor-Toutain type. Identifiers: MedGen C5231478, MONDO:0032885, OMIM 618728.

Submissions (3):

Undiagnosed Diseases Network, NIH
Classification: Pathogenic for Spondyloepimetaphyseal dysplasia, Isidor-Toutain type. Last evaluated: 2025-12-05. Review status: criteria provided, single submitter. Criteria: ACMG Guidelines, 2015. Collection method: clinical testing. Allele origin: maternal. Inheritance: Autosomal dominant inheritance. Affected: yes. Observed: 5 variant alleles, 5 heterozygotes. Clinical features observed: Shield chest (HP:0000914), Developmental dysplasia of the hip (HP:0001385), Failure to thrive (HP:0001508), Asthma (HP:0002099), Scoliosis (HP:0002650), Skeletal dysplasia (HP:0002652), Spondylometaphyseal dysplasia (HP:0002657), Bowing of the legs (HP:0002979), Hyperlordosis (HP:0003307), Back pain (HP:0003418), Severe short stature (HP:0003510), Relative macrocephaly (HP:0004482), and 4 more. Study: Undiagnosed Diseases Network (NIH), UDN.
Comment: This variant has been reported previously in the literature as pathogenic/disease causing for Isidor-Toutain type of spondyloepimetaphyseal dysplasia

Juno Genomics, Hangzhou Juno Genomics, Inc
Classification: Uncertain significance for Spondyloepimetaphyseal dysplasia, Isidor-Toutain type. Review status: criteria provided, single submitter. Criteria: ACMG Guidelines, 2015. Collection method: clinical testing. Allele origin: germline. Affected: yes.
Comment: Absent from controls (or at extremely low frequency if recessive) in Genome Aggregation Database, Exome Sequencing Project, 1000 Genomes Project, or Exome Aggregation Consortium.;The prevalence of the variant in affected individuals is significantly increased compared to the prevalence in controls.;De novo (both maternity and paternity confirmed) in a patient with the disease and no family history.;Patient's phenotype or family history is highly specific for a disease with a single genetic etiology.

OMIM
Classification: Pathogenic for SPONDYLOEPIMETAPHYSEAL DYSPLASIA, ISIDOR-TOUTAIN TYPE. Last evaluated: 2020-01-07. Review status: no assertion criteria provided. Collection method: literature only. Allele origin: germline. Not counted in ClinVar's aggregate classification.

Literature cited by the submitters: PubMed 31630789 (cited by OMIM).

NM_000977.4(RPL13):c.548G>C (p.Arg183Pro)

Gene: RPL13 (ribosomal protein L13; plus strand). Cytogenetic location: 16q24.3.
Variant type: single nucleotide variant.
Coding change: c.548G>C on transcript NM_000977.4 (MANE Select); coding-DNA position 548, G replaced by C.
Protein change: p.Arg183Pro; replaces arginine 183 with proline.
Molecular consequence: missense variant.
Genome position (GRCh38, 1-based): chr16:89,562,954, G>C. VCF-style: chr16-89562954-G-C. GRCh37 (hg19) VCF-style: chr16-89629362-G-C.
Other names: p.R183P; c.407G>C, p.Arg136Pro (NM_001243131.1); c.548G>C, p.Arg183Pro (NM_033251.2); short protein forms R183P, R136P.
Identifiers: ClinVar variation 804147 (VCV000804147.5), dbSNP rs1597676540, ClinGen allele CA397422686.